The following is an entry in ClinVar:

ClinVar aggregate classification (germline): Uncertain significance (1 of 4 stars; one submission).

gnomAD v4.1: 1 of 1,614,222 alleles (0.000062%); highest among the groups gnomAD compares: Non-Finnish European, 0.000085%; no homozygotes.

Submission:

Labcorp Genetics (formerly Invitae), Labcorp
Classification: Uncertain significance. Last evaluated: 2025-07-06. Review status: criteria provided, single submitter. Criteria: Invitae Variant Classification Sherloc (09022015). Collection method: clinical testing. Allele origin: germline.
Comment: This sequence change replaces serine, which is neutral and polar, with phenylalanine, which is neutral and non-polar, at codon 444 of the EXTL3 protein (p.Ser444Phe). This variant is not present in population databases (gnomAD no frequency). This variant has not been reported in the literature in individuals affected with EXTL3-related conditions. Invitae Evidence Modeling of protein sequence and biophysical properties (such as structural, functional, and spatial information, amino acid conservation, physicochemical variation, residue mobility, and thermodynamic stability) indicates that this missense variant is not expected to disrupt EXTL3 protein function with a negative predictive value of 80%. In summary, the available evidence is currently insufficient to determine the role of this variant in disease. Therefore, it has been classified as a Variant of Uncertain Significance.

NM_001440.4(EXTL3):c.1331C>T (p.Ser444Phe)

Gene: EXTL3 (exostosin like glycosyltransferase 3; plus strand). Cytogenetic location: 8p21.1.
Variant type: single nucleotide variant.
Coding change: c.1331C>T on transcript NM_001440.4 (MANE Select); coding-DNA position 1331, C replaced by T.
Protein change: p.Ser444Phe; replaces serine 444 with phenylalanine.
Molecular consequence: missense variant.
Genome position (GRCh38, 1-based): chr8:28,717,390, C>T. VCF-style: chr8-28717390-C-T. GRCh37 (hg19) VCF-style: chr8-28574907-C-T.
Other names: c.1331C>T, p.Ser444Phe (NM_001437797.1, NM_001438399.1, NM_001438400.1 and 4 more transcripts); short protein forms S444F.
Identifiers: ClinVar variation 4744083 (VCV004744083.1).